The following is an entry in ClinVar:

NM_152384.3(BBS5):c.664A>G (p.Ile222Val)

Gene: BBS5 (Bardet-Biedl syndrome 5; plus strand). Cytogenetic location: 2q31.1.
Variant type: single nucleotide variant.
Coding change: c.664A>G on transcript NM_152384.3 (MANE Select); coding-DNA position 664, A replaced by G.
Protein change: p.Ile222Val; replaces isoleucine 222 with valine.
Molecular consequence: missense variant.
Genome position (GRCh38, 1-based): chr2:169,497,672, A>G. VCF-style: chr2-169497672-A-G. GRCh37 (hg19) VCF-style: chr2-170354182-A-G.
Other names: c.664A>G (NM_152384.2); short protein forms I222V.
Identifiers: ClinVar variation 1444533 (VCV001444533.5), dbSNP rs146488006, ClinGen allele CA1956267.

ClinVar aggregate classification (germline): Uncertain significance. Review status: criteria provided, multiple submitters, no conflicts (2 of 4 stars). 3 submissions from 3 submitters: Uncertain significance (3). Last evaluated 2025-09-12.

Conditions:
BBS5-related disorder. Also called: BBS5-related condition.
Bardet-Biedl syndrome (BBS). Identifiers: Orphanet 110, MedGen C0752166, MONDO:0015229.

Allele frequency attached by ClinVar (database versions not stated): gnomAD exomes 0.00001 and below 0.00001; ExAC 0.00002; TOPMed 0.00003; ESP Exome Variant Server 0.00008; gnomAD 0.00001.

Submissions (3):

PreventionGenetics, part of Exact Sciences
Classification: Uncertain significance for BBS5-related condition. Last evaluated: 2025-09-12. Review status: criteria provided, single submitter. Criteria: ACMG Guidelines, 2015. Collection method: clinical testing. Allele origin: germline.
Comment: The BBS5 c.664A>G variant is predicted to result in the amino acid substitution p.Ile222Val. To our knowledge, this variant has not been reported in the literature. This variant is reported in 0.0062% of alleles in individuals of African descent in gnomAD. At this time, the clinical significance of this variant is uncertain due to the absence of conclusive functional and genetic evidence.

Blueprint Genetics
Classification: Uncertain significance. Last evaluated: 2022-08-30. Review status: criteria provided, single submitter. Criteria: ACMG Guidelines, 2015. Collection method: clinical testing. Allele origin: germline.

Labcorp Genetics (formerly Invitae), Labcorp
Classification: Uncertain significance for Bardet-Biedl syndrome. Last evaluated: 2022-07-26. Review status: criteria provided, single submitter. Criteria: Invitae Variant Classification Sherloc (09022015). Collection method: clinical testing. Allele origin: germline.
Comment: This sequence change replaces isoleucine, which is neutral and non-polar, with valine, which is neutral and non-polar, at codon 222 of the BBS5 protein (p.Ile222Val). This variant is present in population databases (rs146488006, gnomAD no frequency). This variant has not been reported in the literature in individuals affected with BBS5-related conditions. ClinVar contains an entry for this variant (Variation ID: 1444533). Algorithms developed to predict the effect of missense changes on protein structure and function (SIFT, PolyPhen-2, Align-GVGD) all suggest that this variant is likely to be tolerated. In summary, the available evidence is currently insufficient to determine the role of this variant in disease. Therefore, it has been classified as a Variant of Uncertain Significance.